The following is an entry in ClinVar:

ClinVar aggregate classification (germline): Uncertain significance. Review status: criteria provided, multiple submitters, no conflicts (2 of 4 stars). 2 submissions from 2 submitters: Uncertain significance (2). Last evaluated 2025-01-05.

Conditions:
Colorectal cancer, hereditary nonpolyposis, type 7. Identifiers: Orphanet 144, MedGen C1858380, MONDO:0013725, OMIM 614385.

Allele frequency attached by ClinVar (database versions not stated): gnomAD exomes 0.00001.
gnomAD v4.1: 7 of 1,613,480 alleles (0.00043%); highest among the groups gnomAD compares: Non-Finnish European, 0.00059%; no homozygotes.

Submissions (2):

Ambry Genetics
Classification: Uncertain significance. Last evaluated: 2025-01-05. Review status: criteria provided, single submitter. Criteria: Ambry Variant Classification Scheme 2023. Collection method: clinical testing. Allele origin: germline.
Comment: The p.V1149I variant (also known as c.3445G>A), located in coding exon 3 of the MLH3 gene, results from a G to A substitution at nucleotide position 3445. The valine at codon 1149 is replaced by isoleucine, an amino acid with highly similar properties. This amino acid position is conserved. In addition, the in silico prediction for this alteration is inconclusive. Since supporting evidence is limited at this time, the clinical significance of this alteration remains unclear.

Labcorp Genetics (formerly Invitae), Labcorp
Classification: Uncertain significance for Colorectal cancer, hereditary nonpolyposis, type 7. Last evaluated: 2024-05-02. Review status: criteria provided, single submitter. Criteria: Invitae Variant Classification Sherloc (09022015). Collection method: clinical testing. Allele origin: germline.
Comment: This sequence change replaces valine, which is neutral and non-polar, with isoleucine, which is neutral and non-polar, at codon 1149 of the MLH3 protein (p.Val1149Ile). This variant is not present in population databases (gnomAD no frequency). This variant has not been reported in the literature in individuals affected with MLH3-related conditions. ClinVar contains an entry for this variant (Variation ID: 1731506). Algorithms developed to predict the effect of missense changes on protein structure and function output the following: SIFT: "Not Available"; PolyPhen-2: "Benign"; Align-GVGD: "Not Available". The isoleucine amino acid residue is found in multiple mammalian species, which suggests that this missense change does not adversely affect protein function. In summary, the available evidence is currently insufficient to determine the role of this variant in disease. Therefore, it has been classified as a Variant of Uncertain Significance.

NM_001040108.2(MLH3):c.3445G>A (p.Val1149Ile)

Gene: MLH3 (mutL homolog 3; minus strand). Cytogenetic location: 14q24.3.
Variant type: single nucleotide variant.
Coding change: c.3445G>A on transcript NM_001040108.2 (MANE Select); coding-DNA position 3445, G replaced by A.
Protein change: p.Val1149Ile; replaces valine 1149 with isoleucine.
Molecular consequence: missense variant.
Genome position (GRCh38, 1-based): chr14:75,041,635, C>T on the plus strand (G>A on the coding strand, the complement: MLH3 is on the minus strand). VCF-style: chr14-75041635-C-T. GRCh37 (hg19) VCF-style: chr14-75508338-C-T.
Other names: c.3445G>A, p.Val1149Ile (NM_014381.3); short protein forms V1149I.
Identifiers: ClinVar variation 1731506 (VCV001731506.5), dbSNP rs2139493117, ClinGen allele CA390430565.
Genomic context (GRCh38, chr14:75,041,635, plus strand): 5'-AAGAAAAAAAAAAGGCAAAGAAAAACTGCTACAGACCCACCTCTGGATAACGGGCAAATA[C>T]TGGATTGTCCCATTCTGAGAACAAAGACTGAAGCGATTCGCTACTAACAGTATCATCCAC-3'
Protein context (NP_001035197.1, residues 1139-1159): QSLFSEWDNP[Val1149Ile]FARYPEVAVD